The following is an entry in ClinVar:

ClinVar aggregate classification (germline): Uncertain significance (1 of 4 stars; one submission).

Submission:

Labcorp Genetics (formerly Invitae), Labcorp
Classification: Uncertain significance. Last evaluated: 2023-03-29. Review status: criteria provided, single submitter. Criteria: Invitae Variant Classification Sherloc (09022015). Collection method: clinical testing. Allele origin: unknown.
Comment: In summary, the available evidence is currently insufficient to determine the role of this variant in disease. Therefore, it has been classified as a Variant of Uncertain Significance. Experimental studies and prediction algorithms are not available or were not evaluated, and the functional significance of this variant is currently unknown. This variant has not been reported in the literature in individuals affected with POLA1-related conditions. This variant results in a copy number gain of the genomic region encompassing exon(s) 1-16 of the POLA1 gene. This region includes the initiator codon of the gene. This copy number gain extends beyond the assayed region for this gene and therefore may encompass additional genes. As the precise location of this event is unknown, it may be in tandem or it may be located elsewhere in the genome.

NC_000023.10:g.(?_24712079)_(24750591_?)dup

Gene: POLA1 (DNA polymerase alpha 1, catalytic subunit; plus strand). Cytogenetic location: Xp22.11.
Variant type: Duplication.
Identifiers: ClinVar variation 3246796 (VCV003246796.1).